The following is an entry in ClinVar:

ClinVar aggregate classification (germline): Uncertain significance (1 of 4 stars; one submission).

Conditions:
Neutral lipid storage myopathy (NLSDM). Also called: NEUTRAL LIPID STORAGE DISEASE WITHOUT ICHTHYOSIS. Identifiers: Orphanet 98908, MedGen C1853136, MONDO:0012545, OMIM 610717.

Allele frequency attached by ClinVar (database versions not stated): TOPMed below 0.00001; ExAC 0.00001; gnomAD exomes 0.00001; gnomAD 0.00002.
gnomAD v4.1: 18 of 1,613,230 alleles (0.0011%); highest among the groups gnomAD compares: East Asian, 0.016%; no homozygotes.

Submission:

Labcorp Genetics (formerly Invitae), Labcorp
Classification: Uncertain significance for Neutral lipid storage myopathy. Last evaluated: 2022-08-06. Review status: criteria provided, single submitter. Criteria: Invitae Variant Classification Sherloc (09022015). Collection method: clinical testing. Allele origin: germline.
Comment: This sequence change replaces proline, which is neutral and non-polar, with leucine, which is neutral and non-polar, at codon 229 of the PNPLA2 protein (p.Pro229Leu). This variant is present in population databases (rs751823578, gnomAD 0.01%). This variant has not been reported in the literature in individuals affected with PNPLA2-related conditions. Algorithms developed to predict the effect of missense changes on protein structure and function are either unavailable or do not agree on the potential impact of this missense change (SIFT: "Tolerated"; PolyPhen-2: "Probably Damaging"; Align-GVGD: "Class C0"). In summary, the available evidence is currently insufficient to determine the role of this variant in disease. Therefore, it has been classified as a Variant of Uncertain Significance.

NM_020376.4(PNPLA2):c.686C>T (p.Pro229Leu)

Gene: PNPLA2 (patatin like domain 2, triacylglycerol lipase; plus strand). Cytogenetic location: 11p15.5.
Variant type: single nucleotide variant.
Coding change: c.686C>T on transcript NM_020376.4 (MANE Select); coding-DNA position 686, C replaced by T.
Protein change: p.Pro229Leu; replaces proline 229 with leucine.
Molecular consequence: missense variant.
Genome position (GRCh38, 1-based): chr11:822,596, C>T. VCF-style: chr11-822596-C-T. GRCh37 (hg19) VCF-style: chr11-822596-C-T.
Other names: short protein forms P229L.
Identifiers: ClinVar variation 1897322 (VCV001897322.2), dbSNP rs751823578, ClinGen allele CA5791085.